The following is an entry in ClinVar:

NC_000005.9:g.(?_7885880)_(7887275_?)del

Gene: MTRR (5-methyltetrahydrofolate-homocysteine methyltransferase reductase; plus strand). Cytogenetic location: 5p15.31.
Variant type: Deletion.
Identifiers: ClinVar variation 3246351 (VCV003246351.1).

ClinVar aggregate classification (germline): Likely pathogenic (1 of 4 stars; one submission).

Conditions:
Methylcobalamin deficiency type cblE (HMAE). Also called: VITAMIN B12-RESPONSIVE HOMOCYSTINURIA, cblE TYPE; HOMOCYSTINURIA-MEGALOBLASTIC ANEMIA, cblE TYPE; HOMOCYSTINURIA-MEGALOBLASTIC ANEMIA, cblE COMPLEMENTATION TYPE. Identifiers: Orphanet 2169, Orphanet 622, MedGen C1856057, MONDO:0009354, OMIM 236270.

Submission:

Labcorp Genetics (formerly Invitae), Labcorp
Classification: Likely pathogenic for Methylcobalamin deficiency type cblE. Last evaluated: 2023-03-08. Review status: criteria provided, single submitter. Criteria: Invitae Variant Classification Sherloc (09022015). Collection method: clinical testing. Allele origin: unknown.
Comment: In summary, the currently available evidence indicates that the variant is pathogenic, but additional data are needed to prove that conclusively. Therefore, this variant has been classified as Likely Pathogenic. ClinVar contains an entry for this variant (Variation ID: 954026). This variant has not been reported in the literature in individuals affected with MTRR-related conditions. This variant results in the deletion of exon 8 and part of exon 7 (c.973_1146+462del) of the MTRR gene. It is expected to disrupt RNA splicing. Variants that disrupt the donor or acceptor splice site typically lead to a loss of protein function (PMID: 16199547), and loss-of-function variants in MTRR are known to be pathogenic (PMID: 15714522).

Literature cited by the submitters: PubMed 16199547; PubMed 15714522.